The following is an entry in ClinVar:

NM_001200.4(BMP2):c.556T>C (p.Phe186Leu)

Gene: BMP2 (bone morphogenetic protein 2; plus strand). Cytogenetic location: 20p12.3.
Variant type: single nucleotide variant.
Coding change: c.556T>C on transcript NM_001200.4 (MANE Select); coding-DNA position 556, T replaced by C.
Protein change: p.Phe186Leu; replaces phenylalanine 186 with leucine.
Molecular consequence: missense variant.
Genome position (GRCh38, 1-based): chr20:6,778,454, T>C. VCF-style: chr20-6778454-T-C. GRCh37 (hg19) VCF-style: chr20-6759101-T-C.
Other names: c.556T>C (NM_001200.2); short protein forms F186L.
Identifiers: ClinVar variation 2176206 (VCV002176206.5), dbSNP rs756013012, ClinGen allele CA9758703.

ClinVar aggregate classification (germline): Uncertain significance. Review status: criteria provided, multiple submitters, no conflicts (2 of 4 stars). 2 submissions from 2 submitters: Uncertain significance (2). Last evaluated 2022-05-11.

Conditions:
Inborn genetic diseases. Identifiers: MedGen C0950123, MeSH D030342.

Allele frequency attached by ClinVar (database versions not stated): gnomAD exomes below 0.00001; TOPMed below 0.00001; ExAC 0.00001; gnomAD 0.00001.

Submissions (2):

Ambry Genetics
Classification: Uncertain significance for Inborn genetic diseases. Last evaluated: 2022-05-11. Review status: criteria provided, single submitter. Criteria: Ambry Variant Classification Scheme 2023. Collection method: clinical testing. Allele origin: germline.

Labcorp Genetics (formerly Invitae), Labcorp
Classification: Uncertain significance. Last evaluated: 2022-04-22. Review status: criteria provided, single submitter. Criteria: Invitae Variant Classification Sherloc (09022015). Collection method: clinical testing. Allele origin: germline.
Comment: In summary, the available evidence is currently insufficient to determine the role of this variant in disease. Therefore, it has been classified as a Variant of Uncertain Significance. Algorithms developed to predict the effect of missense changes on protein structure and function are either unavailable or do not agree on the potential impact of this missense change (SIFT: "Not Available"; PolyPhen-2: "Benign"; Align-GVGD: "Not Available"). This variant has not been reported in the literature in individuals affected with BMP2-related conditions. This variant is present in population databases (rs756013012, gnomAD 0.003%). This sequence change replaces phenylalanine, which is neutral and non-polar, with leucine, which is neutral and non-polar, at codon 186 of the BMP2 protein (p.Phe186Leu).